The following is an entry in ClinVar:

NM_022787.4(NMNAT1):c.-57+17_-57+19dup

Genes: NMNAT1 (nicotinamide nucleotide adenylyltransferase 1; plus strand), LOC126805613 (BRD4-independent group 4 enhancer GRCh37_chr1:10002582-10003781; plus strand). Cytogenetic location: 1p36.22.
Variant type: Duplication.
Coding change: c.-57+17_-57+19dup on transcript NM_022787.4 (MANE Select); bases 17 to 19 of the intron after 57 bases upstream of the start codon, 3 bases duplicated (GAG; older notation c.-57+17_-57+19dupGAG).
Molecular consequence: intron variant.
Genome position (GRCh38, 1-based): chr1:9,943,532-9,943,534, GAG duplicated; duplicating any 3 consecutive bases within chr1:9,943,530-9,943,534 gives the same sequence; the c. name uses the placement nearest the transcript's 3' end. VCF-style (leftmost placement, unchanged base first): chr1-9943529-A-AAGG. GRCh37 (hg19) VCF-style: chr1-10003587-A-AAGG.
Other names: c.-57+507_-57+509dup (NM_001297778.1); c.-57+17_-57+19dup (NM_001297779.2).
Identifiers: ClinVar variation 4819146 (VCV004819146.1).

ClinVar aggregate classification (germline): Uncertain significance (1 of 4 stars; one submission).

Conditions:
Spondyloepiphyseal dysplasia, sensorineural hearing loss, impaired intellectual development, and leber congenital amaurosis. Also called: SHILCA SYNDROME. Identifiers: Orphanet 611207, MedGen C5543257, MONDO:0031007, OMIM 619260.

Submission:

Institute of Human Genetics, University of Leipzig Medical Center
Classification: Uncertain significance for Spondyloepiphyseal dysplasia, sensorineural hearing loss, impaired intellectual development, and leber congenital amaurosis. Last evaluated: 2026-02-13. Review status: criteria provided, single submitter. Criteria: ACMG Guidelines, 2015. Collection method: clinical testing. Allele origin: inherited. Inheritance: Autosomal recessive inheritance. Affected: yes.
Comment: Criteria applied: PM2, PM3_SUP